The following is an entry in ClinVar:

NM_000083.3(CLCN1):c.1853C>G (p.Ala618Gly)

Gene: CLCN1 (chloride voltage-gated channel 1; plus strand). Cytogenetic location: 7q34.
Variant type: single nucleotide variant.
Coding change: c.1853C>G on transcript NM_000083.3 (MANE Select); coding-DNA position 1853, C replaced by G.
Protein change: p.Ala618Gly; replaces alanine 618 with glycine.
Molecular consequence: missense variant. On other transcripts: non-coding transcript variant (1).
Genome position (GRCh38, 1-based): chr7:143,342,428, C>G. VCF-style: chr7-143342428-C-G. GRCh37 (hg19) VCF-style: chr7-143039521-C-G.
Other names: p.Ala618Gly; short protein forms A618G.
Identifiers: ClinVar variation 4541341 (VCV004541341.1).
Genomic context (GRCh38, chr7:143,342,428, plus strand): 5'-ATAGCAAATATACCATCTTTGTTGAGGACATCATGGTACGTGATGTGAAGTTTGTTTCAG[C>G]TTCTTACACATATGGGGAGTTGCGAACCCTGCTCCAGACCACCACAGTCAAGACTTTACC-3'
Protein context (NP_000074.3, residues 608-628): IMVRDVKFVS[Ala618Gly]SYTYGELRTL

ClinVar aggregate classification (germline): Uncertain significance (1 of 4 stars; one submission).

Submission:

Mayo Clinic Laboratories, Mayo Clinic
Classification: Uncertain significance. Last evaluated: 2025-10-06. Review status: criteria provided, single submitter. Criteria: ACMG Guidelines, 2015. Collection method: clinical testing. Allele origin: germline. Observed: 1 variant allele.
Comment: PM2_supporting